The following is an entry in ClinVar:

NM_002485.5(NBN):c.896+13T>G

Gene: NBN (nibrin; minus strand). Cytogenetic location: 8q21.3.
Variant type: single nucleotide variant.
Coding change: c.896+13T>G on transcript NM_002485.5 (MANE Select); 13 bases into the intron after coding-DNA position 896, T replaced by G.
Molecular consequence: intron variant.
Genome position (GRCh38, 1-based): chr8:89,970,351, A>C on the plus strand (T>G on the coding strand, the complement: NBN is on the minus strand). VCF-style: chr8-89970351-A-C. GRCh37 (hg19) VCF-style: chr8-90982579-A-C.
Other names: c.650+13T>G (NM_001024688.3).
Identifiers: ClinVar variation 492134 (VCV000492134.16), dbSNP rs376695206, ClinGen allele CA4802872.

ClinVar aggregate classification (germline): Benign/Likely benign. Review status: criteria provided, multiple submitters, no conflicts (2 of 4 stars). 4 submissions from 4 submitters: Benign (1); Likely benign (2). 1 of the submissions does not count toward it. Last evaluated 2026-01-26.

Conditions:
Malignant tumor of breast. Also called: Malignant breast neoplasm; Cancer breast. Identifiers: MedGen C0006142, MONDO:0007254. Disease mechanism: loss of function.
Microcephaly, normal intelligence and immunodeficiency (NBS). Also called: BERLIN BREAKAGE SYNDROME; Nijmegen breakage syndrome; Microcephaly with normal intelligence immunodeficiency and lymphoreticular malignancies; Nonsyndromal microcephaly autosomal recessive with normal intelligence; Seemanova syndrome 2; Ataxia telangiectasia variant V1. Identifiers: Orphanet 647, MedGen C0398791, MONDO:0009623, OMIM 251260.

Allele frequency attached by ClinVar (database versions not stated): gnomAD 0.00003; ESP Exome Variant Server 0.00008; TOPMed 0.00008; gnomAD exomes 0.00011; ExAC 0.00012; 1000 Genomes Project 30x 0.00016; 1000 Genomes Project 0.00020.
gnomAD v4.1: 154 of 1,591,182 alleles (0.0097%); highest among the groups gnomAD compares: Admixed American, 0.022%; no homozygotes.

Submissions (4):

Labcorp Genetics (formerly Invitae), Labcorp
Classification: Likely benign for Microcephaly, normal intelligence and immunodeficiency. Last evaluated: 2026-01-26. Review status: criteria provided, single submitter. Criteria: Invitae Variant Classification Sherloc (09022015). Collection method: clinical testing. Allele origin: germline.

Blueprint Genetics
Classification: Likely benign. Last evaluated: 2024-11-07. Review status: criteria provided, single submitter. Criteria: ACMG Guidelines, 2015. Collection method: clinical testing. Allele origin: germline.

GeneDx
Classification: Benign. Last evaluated: 2015-03-03. Review status: criteria provided, single submitter. Criteria: GeneDx Variant Classification Process June 2021. Collection method: clinical testing. Allele origin: germline. Affected: yes.

Department of Pathology and Laboratory Medicine, Sinai Health System
Classification: Likely benign for Malignant tumor of breast. Review status: no assertion criteria provided. Collection method: clinical testing. Allele origin: unknown. Affected: yes. Observed: 1 variant allele. Study: The Canadian Open Genetics Repository (COGR). Not counted in ClinVar's aggregate classification.
Comment: The NBN c.896+13T>G variant was not identified in the literature nor was it identified in the Zhejiang University database. The variant was identified in dbSNP (ID: rs376695206), ClinVar (classified as likely benign by Color Genomics), and in LOVD 3.0 databases. The variant was identified in control databases in 29 of 275572 chromosomes at a frequency of 0.0001 increasing the likelihood this could be a low frequency benign variant (Genome Aggregation Database Feb 27, 2017). Breakdown of the observations by population include Latino in 9 of 34260 chromosomes (freq: 0.0003), European in 20 of 126174 chromosomes (freq: 0.0002), while the variant was not observed in the African, Other, Ashkenazi Jewish, East Asian, Finnish, and South Asian populations. The variant occurs outside of the splicing consensus sequence and in silico or computational prediction software programs (SpliceSiteFinder, MaxEntScan, NNSPLICE, GeneSplicer, HumanSpliceFinder) do not predict a difference in splicing. In summary, based on the above information the clinical significance of this variant cannot be determined with certainty at this time although we would lean towards a more benign role for this variant. This variant is classified as likely benign.